The following is an entry in ClinVar:

NM_001079855.2(GYG2):c.8-204C>T

Gene: GYG2 (glycogenin 2; plus strand). Cytogenetic location: Xp22.33.
Variant type: single nucleotide variant.
Coding change: c.8-204C>T on transcript NM_001079855.2 (MANE Select); 204 bases into the intron before coding-DNA position 8, C replaced by T.
Molecular consequence: intron variant. On other transcripts: missense variant (2).
Genome position (GRCh38, 1-based): chrX:2,843,009, C>T. VCF-style: chrX-2843009-C-T. GRCh37 (hg19) VCF-style: chrX-2761050-C-T.
Other names: c.19C>T, p.His7Tyr (NM_001184703.2, NM_003918.3); c.8-204C>T (NM_001184702.2); c.-316-10971C>T (NM_001184704.2); short protein forms H7Y.
Identifiers: ClinVar variation 379981 (VCV000379981.10), dbSNP rs11797037, ClinGen allele CA10336969.

ClinVar aggregate classification (germline): Benign. Review status: criteria provided, multiple submitters, no conflicts (2 of 4 stars). 3 submissions from 3 submitters: Benign (3). Last evaluated 2026-02-01.

Allele frequency attached by ClinVar (database versions not stated): gnomAD exomes 0.16431 and 0.15794; ExAC 0.30171; gnomAD 0.12237 and 0.12703; TOPMed 0.12414; 1000 Genomes Project 30x 0.15442; 1000 Genomes Project 0.15841.
gnomAD v4.1: 74,836 of 480,920 alleles (16%); highest among the groups gnomAD compares: South Asian, 30%; 4,071 homozygotes.

Submissions (3):

Labcorp Genetics (formerly Invitae), Labcorp
Classification: Benign. Last evaluated: 2026-02-01. Review status: criteria provided, single submitter. Criteria: Invitae Variant Classification Sherloc (09022015). Collection method: clinical testing. Allele origin: germline.

GeneDx
Classification: Benign. Last evaluated: 2015-12-28. Review status: criteria provided, single submitter. Criteria: GeneDx Variant Classification (06012015). Collection method: clinical testing. Allele origin: germline. Affected: yes.
Comment: This variant is considered likely benign or benign based on one or more of the following criteria: it is a conservative change, it occurs at a poorly conserved position in the protein, it is predicted to be benign by multiple in silico algorithms, and/or has population frequency not consistent with disease.

Breakthrough Genomics
Classification: Benign. Review status: criteria provided, single submitter. Criteria: ACMG Guidelines, 2015. Collection method: not provided. Allele origin: germline. Inheritance: Unknown mechanism. Affected: yes.